The following is an entry in ClinVar:

ClinVar aggregate classification (germline): Conflicting classifications of pathogenicity. Review status: criteria provided, conflicting classifications (1 of 4 stars). 5 submissions from 5 submitters: Uncertain significance (1); Likely benign (4). Last evaluated 2025-07-02.

Conditions:
PLEKHG5-related disorder. Also called: PLEKHG5-related condition.
Neuronopathy, distal hereditary motor, autosomal recessive 4. Also called: NEUROPATHY, DISTAL HEREDITARY MOTOR, AUTOSOMAL RECESSIVE 4; Autosomal recessive lower motor neuron disease with childhood onset. Identifiers: Orphanet 206580, MedGen C1970211, MONDO:0012608, OMIM 611067.
Charcot-Marie-Tooth disease recessive intermediate C. Also called: CHARCOT-MARIE-TOOTH NEUROPATHY, RECESSIVE INTERMEDIATE C. Identifiers: Orphanet 369867, MedGen C3809309, MONDO:0014154, OMIM 615376.

Allele frequency attached by ClinVar (database versions not stated): TOPMed 0.00008; gnomAD 0.00013; 1000 Genomes Project 30x 0.00016.
gnomAD v4.1: 219 of 1,613,966 alleles (0.014%); highest among the groups gnomAD compares: Admixed American, 0.027%; no homozygotes.

Submissions (5):

Labcorp Genetics (formerly Invitae), Labcorp
Classification: Likely benign for Neuronopathy, distal hereditary motor, autosomal recessive 4; Charcot-Marie-Tooth disease recessive intermediate C. Last evaluated: 2025-07-02. Review status: criteria provided, single submitter. Criteria: Invitae Variant Classification Sherloc (09022015). Collection method: clinical testing. Allele origin: germline.

Women's Health and Genetics/Laboratory Corporation of America, LabCorp
Classification: Likely benign. Last evaluated: 2025-06-05. Review status: criteria provided, single submitter. Criteria: LabCorp Variant Classification Summary - May 2015. Collection method: clinical testing. Allele origin: germline.
Comment: Variant summary: PLEKHG5 c.1681-8G>C alters a non-conserved nucleotide located at a position not widely known to affect splicing. Consensus agreement among computation tools predict no significant impact on normal splicing. However, these predictions have yet to be confirmed by functional studies. The variant allele was found at a frequency of 0.00014 in 1606992 control chromosomes in the gnomAD database (v4.1 dataset). This frequency is not significantly higher than estimated for a pathogenic variant in PLEKHG5 causing Distal Spinal Muscular Atrophy, Autosomal Recessive 4 (0.0011), allowing no conclusion about variant significance. To our knowledge, no occurrence of c.1681-8G>C in individuals affected with Distal Spinal Muscular Atrophy, Autosomal Recessive 4 and no experimental evidence demonstrating its impact on protein function have been reported. ClinVar contains an entry for this variant (Variation ID: 536791). Based on the evidence outlined above, the variant was classified as likely benign.

PreventionGenetics, part of Exact Sciences
Classification: Likely benign for PLEKHG5-related condition. Last evaluated: 2025-04-12. Review status: criteria provided, single submitter. Criteria: ACMG Guidelines, 2015. Collection method: clinical testing. Allele origin: germline.
Comment: This variant is classified as likely benign based on ACMG/AMP sequence variant interpretation guidelines (Richards et al. 2015 PMID: 25741868, with internal and published modifications).

Blueprint Genetics
Classification: Likely benign. Last evaluated: 2024-08-29. Review status: criteria provided, single submitter. Criteria: ACMG Guidelines, 2015. Collection method: clinical testing. Allele origin: germline.

CeGaT Center for Human Genetics Tuebingen
Classification: Uncertain significance. Last evaluated: 2024-08-01. Review status: criteria provided, single submitter. Criteria: CeGaT Center For Human Genetics Tuebingen Variant Classification Criteria Version 2. Collection method: clinical testing. Allele origin: germline. Affected: yes. Observed: 2 variant alleles.
Comment: PLEKHG5: PM2, BP4

NM_020631.6(PLEKHG5):c.1681-8G>C

Gene: PLEKHG5 (pleckstrin homology and RhoGEF domain containing G5; minus strand). Cytogenetic location: 1p36.31.
Variant type: single nucleotide variant.
Coding change: c.1681-8G>C on transcript NM_020631.6 (MANE Select); 8 bases into the intron before coding-DNA position 1681, G replaced by C.
Molecular consequence: intron variant.
Genome position (GRCh38, 1-based): chr1:6,470,363, C>G on the plus strand (G>C on the coding strand, the complement: PLEKHG5 is on the minus strand). VCF-style: chr1-6470363-C-G. GRCh37 (hg19) VCF-style: chr1-6530423-C-G.
Other names: c.1681-8G>C (NM_198681.4, NM_001265594.3, NM_001042664.2 and 1 more transcripts); c.1792-8G>C (NM_001042663.3, NM_001265592.2); c.1888-8G>C (NM_001265593.2).
Identifiers: ClinVar variation 536791 (VCV000536791.56), dbSNP rs139041955, ClinGen allele CA561405.